The following is an entry in ClinVar:

NM_002471.4(MYH6):c.502+3G>A

Genes: MYH6 (myosin heavy chain 6; minus strand), LOC114827851 (VISTA enhancer hs2155; plus strand). Cytogenetic location: 14q11.2.
Variant type: single nucleotide variant.
Coding change: c.502+3G>A on transcript NM_002471.4 (MANE Select); 3 bases into the intron after coding-DNA position 502, G replaced by A.
Molecular consequence: intron variant.
Genome position (GRCh38, 1-based): chr14:23,405,220, C>T on the plus strand (G>A on the coding strand, the complement: MYH6 is on the minus strand). VCF-style: chr14-23405220-C-T. GRCh37 (hg19) VCF-style: chr14-23874429-C-T.
Identifiers: ClinVar variation 2587182 (VCV002587182.2), dbSNP rs2502207337, ClinGen allele CA2582341739.
Genomic context (GRCh38, chr14:23,405,220, plus strand): 5'-AGGGCTGAGGATCTGGGTGGGTGTCTGGGAGGAGGAGCAGAGACCAGGGGCCACCAGGCT[C>T]ACCTGTCAGCATGTACTGATAGGCGTTGTCGGAGATGGAGAAGATGTGGGGCGGGGCCTC-3'

ClinVar aggregate classification (germline): Uncertain significance (1 of 4 stars; one submission).

Conditions:
Cardiovascular phenotype. Identifiers: MedGen CN230736.

Submission:

Ambry Genetics
Classification: Uncertain significance for Cardiovascular phenotype. Last evaluated: 2023-09-05. Review status: criteria provided, single submitter. Criteria: Ambry Variant Classification Scheme 2023. Collection method: clinical testing. Allele origin: germline.
Comment: The c.502+3G>A intronic variant results from a G to A substitution 3 nucleotides after coding exon 3 in the MYH6 gene. This nucleotide position is not well conserved in available vertebrate species. In silico splice site analysis predicts that this alteration will not have any significant effect on splicing. Since supporting evidence is limited at this time, the clinical significance of this alteration remains unclear.